The following is an entry in ClinVar:

NM_001042492.3(NF1):c.7238T>A (p.Leu2413Ter)

Gene: NF1 (neurofibromin 1; plus strand). Cytogenetic location: 17q11.2.
Variant type: single nucleotide variant.
Coding change: c.7238T>A on transcript NM_001042492.3 (MANE Select); coding-DNA position 7238, T replaced by A.
Protein change: p.Leu2413Ter; replaces leucine 2413 with a stop codon.
Molecular consequence: nonsense.
Genome position (GRCh38, 1-based): chr17:31,349,168, T>A. VCF-style: chr17-31349168-T-A. GRCh37 (hg19) VCF-style: chr17-29676186-T-A.
Other names: c.7175T>A, p.Leu2392Ter (NM_000267.4); short protein forms L2413*, L2392*.
Identifiers: ClinVar variation 457827 (VCV000457827.5), dbSNP rs775181940, ClinGen allele CA399016749.
Genomic context (GRCh38, chr17:31,349,168, plus strand): 5'-TGTTTTTTGTAGGGTACAGGCATCCTTCACCTGCTATTGTTGCAAGAACAGTCAGAATTT[T>A]ACATACACTACTAACTCTGGTTAACAAACACAGAAATTGTGACAAATTTGAAGTGAATAC-3'

ClinVar aggregate classification (germline): Pathogenic (1 of 4 stars; one submission).

Conditions:
Neurofibromatosis, type 1 (NF1). Also called: VON RECKLINGHAUSEN DISEASE; NEUROFIBROMATOSIS, TYPE I, SOMATIC; Peripheral type neurofibromatosis; Neurofibromatosis, type I. Identifiers: Orphanet 636, MedGen C0027831, MONDO:0018975, OMIM 162200. Disease mechanism: loss of function.

Submission:

Labcorp Genetics (formerly Invitae), Labcorp
Classification: Pathogenic for Neurofibromatosis, type 1. Last evaluated: 2017-05-29. Review status: criteria provided, single submitter. Criteria: Invitae Variant Classification Sherloc (09022015). Collection method: clinical testing. Allele origin: germline.
Comment: For these reasons, this variant has been classified as Pathogenic. Loss-of-function variants in NF1 are known to be pathogenic (PMID: 10712197, 23913538). This variant has not been reported in the literature in individuals with a NF1-related disease. This variant is not present in population databases (ExAC no frequency). This sequence change creates a premature translational stop signal (p.Leu2392*) in the NF1 gene. It is expected to result in an absent or disrupted protein product.

Literature cited by the submitters: PubMed 10712197; PubMed 23913538.